The following is an entry in ClinVar:

NM_001003841.3(SLC6A19):c.754G>A (p.Val252Ile)

Gene: SLC6A19 (solute carrier family 6 member 19; plus strand). Cytogenetic location: 5p15.33.
Variant type: single nucleotide variant.
Coding change: c.754G>A on transcript NM_001003841.3 (MANE Select); coding-DNA position 754, G replaced by A.
Protein change: p.Val252Ile; replaces valine 252 with isoleucine.
Molecular consequence: missense variant.
Genome position (GRCh38, 1-based): chr5:1,213,553, G>A. VCF-style: chr5-1213553-G-A. GRCh37 (hg19) VCF-style: chr5-1213668-G-A.
Other names: short protein forms V252I.
Identifiers: ClinVar variation 130353 (VCV000130353.19), dbSNP rs7732589, ClinGen allele CA155259.

ClinVar aggregate classification (germline): Benign/Likely benign. Review status: criteria provided, multiple submitters, no conflicts (2 of 4 stars). 6 submissions from 6 submitters: Benign (4); Likely benign (1). 1 of the submissions does not count toward it. Last evaluated 2026-02-03.

Allele frequency attached by ClinVar (database versions not stated): gnomAD exomes 0.14424 and 0.15327; ExAC 0.15764; gnomAD 0.18448 and 0.18781; TOPMed 0.19258; 1000 Genomes Project 0.19449; ESP Exome Variant Server 0.19648; 1000 Genomes Project 30x 0.19909.
gnomAD v4.1: 238,898 of 1,610,534 alleles (15%); highest among the groups gnomAD compares: African/African-American, 30%; 18,866 homozygotes.

Submissions (6):

Labcorp Genetics (formerly Invitae), Labcorp
Classification: Benign. Last evaluated: 2026-02-03. Review status: criteria provided, single submitter. Criteria: Invitae Variant Classification Sherloc (09022015). Collection method: clinical testing. Allele origin: germline.

Blueprint Genetics
Classification: Likely benign. Last evaluated: 2024-11-26. Review status: criteria provided, single submitter. Criteria: ACMG Guidelines, 2015. Collection method: clinical testing. Allele origin: germline.

Mayo Clinic Laboratories, Mayo Clinic
Classification: Benign. Last evaluated: 2022-03-24. Review status: criteria provided, single submitter. Criteria: ACMG Guidelines, 2015. Collection method: clinical testing. Allele origin: germline. Observed: 172 variant alleles.

GeneDx
Classification: Benign. Last evaluated: 2021-05-04. Review status: criteria provided, single submitter. Criteria: GeneDx Variant Classification Process June 2021. Collection method: clinical testing. Allele origin: germline. Affected: yes.

Breakthrough Genomics
Classification: Benign. Review status: criteria provided, single submitter. Criteria: ACMG Guidelines, 2015. Collection method: not provided. Allele origin: germline. Inheritance: Autosomal recessive inheritance. Affected: yes.

Genetic Services Laboratory, University of Chicago
Classification: Likely benign for AllHighlyPenetrant. Review status: no assertion criteria provided. Collection method: clinical testing. Allele origin: germline. Inheritance: Autosomal recessive inheritance. Not counted in ClinVar's aggregate classification.
Comment: Likely benign based on allele frequency in 1000 Genomes Project or ESP global frequency and its presence in a patient with a rare or unrelated disease phenotype. NOT Sanger confirmed.